The following is an entry in ClinVar:

NM_001844.5(COL2A1):c.2302-133C>T

Gene: COL2A1 (collagen type II alpha 1 chain; minus strand). Cytogenetic location: 12q13.11.
Variant type: single nucleotide variant.
Coding change: c.2302-133C>T on transcript NM_001844.5 (MANE Select); 133 bases into the intron before coding-DNA position 2302, C replaced by T.
Molecular consequence: intron variant.
Genome position (GRCh38, 1-based): chr12:47,982,293, G>A on the plus strand (C>T on the coding strand, the complement: COL2A1 is on the minus strand). VCF-style: chr12-47982293-G-A. GRCh37 (hg19) VCF-style: chr12-48376076-G-A.
Other names: c.2095-133C>T (NM_033150.3).
Identifiers: ClinVar variation 677906 (VCV000677906.2), dbSNP rs77813711, ClinGen allele CA236524350.

ClinVar aggregate classification (germline): Benign. Review status: criteria provided, multiple submitters, no conflicts (2 of 4 stars). 2 submissions from 2 submitters: Benign (2). Last evaluated 2018-06-14.

Allele frequency attached by ClinVar (database versions not stated): 1000 Genomes Project 0.02776; 1000 Genomes Project 30x 0.03014; TOPMed 0.04746; gnomAD 0.05365 and 0.05573.
gnomAD v4.1: 48,802 of 873,640 alleles (5.6%); highest among the groups gnomAD compares: Non-Finnish European, 7.1%; 1,753 homozygotes.

Submissions (2):

GeneDx
Classification: Benign. Last evaluated: 2018-06-14. Review status: criteria provided, single submitter. Criteria: GeneDx Variant Classification (06012015). Collection method: clinical testing. Allele origin: germline. Affected: yes.
Comment: This variant is considered likely benign or benign based on one or more of the following criteria: it is a conservative change, it occurs at a poorly conserved position in the protein, it is predicted to be benign by multiple in silico algorithms, and/or has population frequency not consistent with disease.

Breakthrough Genomics
Classification: Benign. Review status: criteria provided, single submitter. Criteria: ACMG Guidelines, 2015. Collection method: not provided. Allele origin: germline. Inheritance: Autosomal dominant inheritance. Affected: yes.